The following is an entry in ClinVar:

ClinVar aggregate classification (germline): Uncertain significance. Review status: criteria provided, multiple submitters, no conflicts (2 of 4 stars). 2 submissions from 2 submitters: Uncertain significance (2). Last evaluated 2024-06-18.

Allele frequency attached by ClinVar (database versions not stated): gnomAD exomes 0.00002.
gnomAD v4.1: 8 of 1,560,880 alleles (0.00051%); highest among the groups gnomAD compares: Admixed American, 0.0076%; no homozygotes.

Submissions (2):

GeneDx
Classification: Uncertain significance. Last evaluated: 2024-06-18. Review status: criteria provided, single submitter. Criteria: GeneDx Variant Classification Process June 2021. Collection method: clinical testing. Allele origin: germline. Affected: yes.
Comment: In silico analysis supports that this missense variant has a deleterious effect on protein structure/function; Has not been previously published as pathogenic or benign to our knowledge

Labcorp Genetics (formerly Invitae), Labcorp
Classification: Uncertain significance. Last evaluated: 2022-06-20. Review status: criteria provided, single submitter. Criteria: Invitae Variant Classification Sherloc (09022015). Collection method: clinical testing. Allele origin: germline.
Comment: This sequence change replaces glycine, which is neutral and non-polar, with arginine, which is basic and polar, at codon 4055 of the HSPG2 protein (p.Gly4055Arg). This variant is present in population databases (rs756115471, gnomAD 0.01%). This variant has not been reported in the literature in individuals affected with HSPG2-related conditions. Algorithms developed to predict the effect of missense changes on protein structure and function are either unavailable or do not agree on the potential impact of this missense change (SIFT: "Deleterious"; PolyPhen-2: "Probably Damaging"; Align-GVGD: "Class C0"). In summary, the available evidence is currently insufficient to determine the role of this variant in disease. Therefore, it has been classified as a Variant of Uncertain Significance.

NM_005529.7(HSPG2):c.12163G>A (p.Gly4055Arg)

Gene: HSPG2 (heparan sulfate proteoglycan 2; minus strand). Cytogenetic location: 1p36.12.
Variant type: single nucleotide variant.
Coding change: c.12163G>A on transcript NM_005529.7 (MANE Select); coding-DNA position 12163, G replaced by A.
Protein change: p.Gly4055Arg; replaces glycine 4055 with arginine.
Molecular consequence: missense variant.
Genome position (GRCh38, 1-based): chr1:21,828,909, C>T on the plus strand (G>A on the coding strand, the complement: HSPG2 is on the minus strand). VCF-style: chr1-21828909-C-T. GRCh37 (hg19) VCF-style: chr1-22155402-C-T.
Other names: c.12166G>A, p.Gly4056Arg (NM_001291860.2); c.12163G>A (NM_005529.5); short protein forms G4055R, G4056R.
Identifiers: ClinVar variation 1467687 (VCV001467687.4), dbSNP rs756115471, ClinGen allele CA669510.